The following is an entry in ClinVar:

ClinVar aggregate classification (germline): Uncertain significance. Review status: criteria provided, single submitter (1 of 4 stars). 2 submissions from 2 submitters: Uncertain significance (1). 1 of the submissions does not count toward it. Last evaluated 2023-08-17.

Conditions:
Neuronal ceroid lipofuscinosis. Also called: Neuronal Ceroid Lipofuscinoses. Identifiers: Orphanet 216, Orphanet 79263, MedGen C0027877, MONDO:0016295. Disease mechanism: loss of function.

gnomAD v4.1: 2 of 1,614,162 alleles (0.00012%); highest among the groups gnomAD compares: Non-Finnish European, 0.00017%; no homozygotes.

Submissions (2):

Labcorp Genetics (formerly Invitae), Labcorp
Classification: Uncertain significance for Neuronal ceroid lipofuscinosis. Last evaluated: 2023-08-17. Review status: criteria provided, single submitter. Criteria: Invitae Variant Classification Sherloc (09022015). Collection method: clinical testing. Allele origin: germline.
Comment: In summary, the available evidence is currently insufficient to determine the role of this variant in disease. Therefore, it has been classified as a Variant of Uncertain Significance. This sequence change replaces aspartic acid, which is acidic and polar, with glutamic acid, which is acidic and polar, at codon 139 of the CLN5 protein (p.Asp139Glu). This variant is not present in population databases (gnomAD no frequency). This variant has not been reported in the literature in individuals affected with CLN5-related conditions. ClinVar contains an entry for this variant (Variation ID: 1045978). Advanced modeling of protein sequence and biophysical properties (such as structural, functional, and spatial information, amino acid conservation, physicochemical variation, residue mobility, and thermodynamic stability) has been performed at Invitae for this missense variant, however the output from this modeling did not meet the statistical confidence thresholds required to predict the impact of this variant on CLN5 protein function.

Natera, Inc.
Classification: Uncertain significance for Neuronal ceroid lipofuscinosis. Last evaluated: 2021-08-23. Review status: no assertion criteria provided. Collection method: clinical testing. Allele origin: germline. Not counted in ClinVar's aggregate classification.

NM_006493.4(CLN5):c.270T>A (p.Asp90Glu)

Gene: CLN5 (CLN5 lysosomal BMP synthase; plus strand). Cytogenetic location: 13q22.3.
Variant type: single nucleotide variant.
Coding change: c.270T>A on transcript NM_006493.4 (MANE Select); coding-DNA position 270, T replaced by A.
Protein change: p.Asp90Glu; replaces aspartic acid 90 with glutamic acid.
Molecular consequence: missense variant.
Genome position (GRCh38, 1-based): chr13:76,995,159, T>A. VCF-style: chr13-76995159-T-A. GRCh37 (hg19) VCF-style: chr13-77569294-T-A.
Other names: c.270T>A, p.Asp90Glu (NM_001366624.2); short protein forms D90E.
Identifiers: ClinVar variation 1045978 (VCV001045978.12), dbSNP rs898862493, ClinGen allele CA252176357.